The following is an entry in ClinVar:

NM_002202.3(ISL1):c.445C>G (p.Pro149Ala)

Gene: ISL1 (ISL LIM homeobox 1; plus strand). Cytogenetic location: 5q11.1.
Variant type: single nucleotide variant.
Coding change: c.445C>G on transcript NM_002202.3 (MANE Select); coding-DNA position 445, C replaced by G.
Protein change: p.Pro149Ala; replaces proline 149 with alanine.
Molecular consequence: missense variant.
Genome position (GRCh38, 1-based): chr5:51,387,716, C>G. VCF-style: chr5-51387716-C-G. GRCh37 (hg19) VCF-style: chr5-50683550-C-G.
Other names: short protein forms P149A.
Identifiers: ClinVar variation 2394242 (VCV002394242.3), dbSNP rs772015386, ClinGen allele CA3260980.

ClinVar aggregate classification (germline): Uncertain significance. Review status: criteria provided, multiple submitters, no conflicts (2 of 4 stars). 2 submissions from 2 submitters: Uncertain significance (2). Last evaluated 2026-07-22.

Conditions:
ISL1-related disorder. Also called: ISL1-related condition.

Allele frequency attached by ClinVar (database versions not stated): ExAC 0.00001; gnomAD 0.00005; TOPMed 0.00005.
gnomAD v4.1: 51 of 1,614,098 alleles (0.0032%); highest among the groups gnomAD compares: Admixed American, 0.027%; no homozygotes.

Submissions (2):

PreventionGenetics, part of Exact Sciences
Classification: Uncertain significance for ISL1-related condition. Last evaluated: 2026-07-22. Review status: criteria provided, single submitter. Criteria: ACMG Guidelines, 2015. Collection method: clinical testing. Allele origin: germline.
Comment: The ISL1 c.445C>G variant is predicted to result in the amino acid substitution p.Pro149Ala. To our knowledge, this variant has not been reported in the literature. This variant is reported in 0.020% of alleles in individuals of Latino descent in gnomAD. At this time, the clinical significance of this variant is uncertain due to the absence of conclusive functional and genetic evidence.

Ambry Genetics
Classification: Uncertain significance. Last evaluated: 2021-09-16. Review status: criteria provided, single submitter. Criteria: Ambry Variant Classification Scheme 2023. Collection method: clinical testing. Allele origin: germline.